The following is an entry in ClinVar:

ClinVar aggregate classification (germline): Uncertain significance (1 of 4 stars; one submission).

Conditions:
Neurodegeneration with brain iron accumulation 6 (NBIA6). Also called: COASY protein-associated neurodegeneration. Identifiers: Orphanet 397725, MedGen C4517377, MONDO:0014290, OMIM 615643.

Allele frequency attached by ClinVar (database versions not stated): gnomAD exomes below 0.00001.
gnomAD v4.1: 2 of 1,568,882 alleles (0.00013%); highest among the groups gnomAD compares: Non-Finnish European, 0.000086%; no homozygotes.

Submission:

Labcorp Genetics (formerly Invitae), Labcorp
Classification: Uncertain significance for Neurodegeneration with brain iron accumulation 6. Last evaluated: 2021-11-29. Review status: criteria provided, single submitter. Criteria: Invitae Variant Classification Sherloc (09022015). Collection method: clinical testing. Allele origin: germline.
Comment: This sequence change replaces alanine, which is neutral and non-polar, with valine, which is neutral and non-polar, at codon 29 of the COASY protein (p.Ala29Val). This variant is not present in population databases (gnomAD no frequency). This variant has not been reported in the literature in individuals affected with COASY-related conditions. Algorithms developed to predict the effect of missense changes on protein structure and function are either unavailable or do not agree on the potential impact of this missense change (SIFT: "Tolerated"; PolyPhen-2: "Probably Damaging"; Align-GVGD: "Class C0"). In summary, the available evidence is currently insufficient to determine the role of this variant in disease. Therefore, it has been classified as a Variant of Uncertain Significance.

NM_025233.7(COASY):c.86C>T (p.Ala29Val)

Gene: COASY (Coenzyme A synthase; plus strand). Cytogenetic location: 17q21.2.
Variant type: single nucleotide variant.
Coding change: c.86C>T on transcript NM_025233.7 (MANE Select); coding-DNA position 86, C replaced by T.
Protein change: p.Ala29Val; replaces alanine 29 with valine.
Molecular consequence: missense variant.
Genome position (GRCh38, 1-based): chr17:42,562,708, C>T. VCF-style: chr17-42562708-C-T. GRCh37 (hg19) VCF-style: chr17-40714726-C-T.
Other names: c.86C>T, p.Ala29Val (NM_001042529.3); c.173C>T, p.Ala58Val (NM_001042532.4); short protein forms A29V, A58V.
Identifiers: ClinVar variation 1394683 (VCV001394683.6), dbSNP rs2143190889, ClinGen allele CA399616599.